The following is an entry in ClinVar:

NM_006420.3(ARFGEF2):c.1141C>A (p.Leu381Met)

Gene: ARFGEF2 (ARF guanine nucleotide exchange factor 2; plus strand). Cytogenetic location: 20q13.13.
Variant type: single nucleotide variant.
Coding change: c.1141C>A on transcript NM_006420.3 (MANE Select); coding-DNA position 1141, C replaced by A.
Protein change: p.Leu381Met; replaces leucine 381 with methionine.
Molecular consequence: missense variant.
Genome position (GRCh38, 1-based): chr20:48,969,228, C>A. VCF-style: chr20-48969228-C-A. GRCh37 (hg19) VCF-style: chr20-47585765-C-A.
Other names: c.1138C>A, p.Leu380Met (NM_001410846.1); short protein forms L380M, L381M.
Identifiers: ClinVar variation 3624137 (VCV003624137.2).

ClinVar aggregate classification (germline): Uncertain significance (1 of 4 stars; one submission).

gnomAD v4.1: 3 of 1,614,128 alleles (0.00019%); highest among the groups gnomAD compares: Admixed American, 0.0017%; no homozygotes.

Submission:

Labcorp Genetics (formerly Invitae), Labcorp
Classification: Uncertain significance. Last evaluated: 2024-04-15. Review status: criteria provided, single submitter. Criteria: Invitae Variant Classification Sherloc (09022015). Collection method: clinical testing. Allele origin: germline.
Comment: This sequence change replaces leucine, which is neutral and non-polar, with methionine, which is neutral and non-polar, at codon 381 of the ARFGEF2 protein (p.Leu381Met). This variant is present in population databases (no rsID available, gnomAD 0.007%). This variant has not been reported in the literature in individuals affected with ARFGEF2-related conditions. An algorithm developed to predict the effect of missense changes on protein structure and function (PolyPhen-2) suggests that this variant is likely to be disruptive. In summary, the available evidence is currently insufficient to determine the role of this variant in disease. Therefore, it has been classified as a Variant of Uncertain Significance.